The following is an entry in ClinVar:

NM_001430.5(EPAS1):c.1130G>A (p.Ser377Asn)

Gene: EPAS1 (endothelial PAS domain protein 1; plus strand). Cytogenetic location: 2p21.
Variant type: single nucleotide variant.
Coding change: c.1130G>A on transcript NM_001430.5 (MANE Select); coding-DNA position 1130, G replaced by A.
Protein change: p.Ser377Asn; replaces serine 377 with asparagine.
Molecular consequence: missense variant.
Genome position (GRCh38, 1-based): chr2:46,376,634, G>A. VCF-style: chr2-46376634-G-A. GRCh37 (hg19) VCF-style: chr2-46603773-G-A.
Other names: short protein forms S377N.
Identifiers: ClinVar variation 1728233 (VCV001728233.6), dbSNP rs144038192, ClinGen allele CA1644892.
Genomic context (GRCh38, chr2:46,376,634, plus strand): 5'-ACCAGACTGAATCCCTGTTCAAGCCCCACCTGATGGCCATGAACAGCATCTTTGATAGCA[G>A]TGGCAAGGGGGCTGTGTCTGAGAAGAGTAACTTCCTATTCACCAAGCTAAAGGAGGAGCC-3'
Protein context (NP_001421.2, residues 367-387): LMAMNSIFDS[Ser377Asn]GKGAVSEKSN

ClinVar aggregate classification (germline): Conflicting classifications of pathogenicity. Review status: criteria provided, conflicting classifications (1 of 4 stars). 3 submissions from 3 submitters: Uncertain significance (1); Likely benign (2). Last evaluated 2025-08-02.

Conditions:
EPAS1-related disorder. Also called: EPAS1-related condition.
Inborn genetic diseases. Identifiers: MedGen C0950123, MeSH D030342.

Allele frequency attached by ClinVar (database versions not stated): ESP Exome Variant Server 0.00008; ExAC 0.00009; gnomAD 0.00019; TOPMed 0.00021; 1000 Genomes Project 30x 0.00094; 1000 Genomes Project 0.00120.
gnomAD v4.1: 78 of 1,614,178 alleles (0.0048%); highest among the groups gnomAD compares: African/African-American, 0.083%; no homozygotes.

Submissions (3):

Ambry Genetics
Classification: Uncertain significance for Inborn genetic diseases. Last evaluated: 2025-08-02. Review status: criteria provided, single submitter. Criteria: Ambry Variant Classification Scheme 2023. Collection method: clinical testing. Allele origin: germline.

PreventionGenetics, part of Exact Sciences
Classification: Likely benign for EPAS1-related condition. Last evaluated: 2025-04-02. Review status: criteria provided, single submitter. Criteria: ACMG Guidelines, 2015. Collection method: clinical testing. Allele origin: germline.
Comment: This variant is classified as likely benign based on ACMG/AMP sequence variant interpretation guidelines (Richards et al. 2015 PMID: 25741868, with internal and published modifications).

Labcorp Genetics (formerly Invitae), Labcorp
Classification: Likely benign. Last evaluated: 2024-11-26. Review status: criteria provided, single submitter. Criteria: Invitae Variant Classification Sherloc (09022015). Collection method: clinical testing. Allele origin: germline.